The following is an entry in ClinVar:

ClinVar aggregate classification (germline): Uncertain significance (1 of 4 stars; one submission).

Submission:

GeneDx
Classification: Uncertain significance. Last evaluated: 2024-12-24. Review status: criteria provided, single submitter. Criteria: GeneDx Variant Classification Process June 2021. Collection method: clinical testing. Allele origin: germline. Affected: yes.
Comment: Not observed at significant frequency in large population cohorts (gnomAD); In silico analysis indicates that this missense variant does not alter protein structure/function; Has not been previously published as pathogenic or benign to our knowledge

NM_001348323.3(TRIP12):c.4507C>A (p.Pro1503Thr)

Gene: TRIP12 (thyroid hormone receptor interactor 12; minus strand). Cytogenetic location: 2q36.3.
Variant type: single nucleotide variant.
Coding change: c.4507C>A on transcript NM_001348323.3 (MANE Select); coding-DNA position 4507, C replaced by A.
Protein change: p.Pro1503Thr; replaces proline 1503 with threonine.
Molecular consequence: missense variant.
Genome position (GRCh38, 1-based): chr2:229,791,160, G>T on the plus strand (C>A on the coding strand, the complement: TRIP12 is on the minus strand). VCF-style: chr2-229791160-G-T. GRCh37 (hg19) VCF-style: chr2-230655876-G-T.
Other names: c.4426C>A, p.Pro1476Thr (NM_001284214.2, NM_001348315.2); c.4381C>A, p.Pro1461Thr (NM_001284215.2, NM_001348316.2); c.3472C>A, p.Pro1158Thr (NM_001284216.2); c.4366C>A, p.Pro1456Thr (NM_001348317.1, NM_001348318.2); c.4492C>A, p.Pro1498Thr (NM_001348319.1, NM_001348320.2); c.4495C>A, p.Pro1499Thr (NM_001348321.1); c.4507C>A, p.Pro1503Thr (NM_001348322.1, NM_001348324.2, NM_001348325.2 and 2 more transcripts); c.4510C>A, p.Pro1504Thr (NM_001348328.1, NM_001348329.2, NM_001348330.2); and 4 more; short protein forms P1158T, P1428T, P1429T, P1456T, P1461T, P1469T, P1476T, P1477T.
Identifiers: ClinVar variation 3907949 (VCV003907949.1).